The following is an entry in ClinVar:

NM_004304.5(ALK):c.3854A>T (p.Lys1285Met)

Gene: ALK (ALK receptor tyrosine kinase; minus strand). Cytogenetic location: 2p23.2.
Variant type: single nucleotide variant.
Coding change: c.3854A>T on transcript NM_004304.5 (MANE Select); coding-DNA position 3854, A replaced by T.
Protein change: p.Lys1285Met; replaces lysine 1285 with methionine.
Molecular consequence: missense variant.
Genome position (GRCh38, 1-based): chr2:29,207,255, T>A on the plus strand (A>T on the coding strand, the complement: ALK is on the minus strand). VCF-style: chr2-29207255-T-A. GRCh37 (hg19) VCF-style: chr2-29430121-T-A.
Other names: c.3854A>T (NM_004304.4); c.650A>T, p.Lys217Met (NM_001353765.2); short protein forms K217M, K1285M.
Identifiers: ClinVar variation 2097642 (VCV002097642.5), dbSNP rs2148152197, ClinGen allele CA346469003.

ClinVar aggregate classification (germline): Uncertain significance. Review status: criteria provided, multiple submitters, no conflicts (2 of 4 stars). 2 submissions from 2 submitters: Uncertain significance (2). Last evaluated 2024-08-30.

Conditions:
Hereditary cancer-predisposing syndrome. Also called: Tumor predisposition; Neoplastic Syndromes, Hereditary; Hereditary neoplastic syndrome; Hereditary Cancer Syndrome. Identifiers: Orphanet 140162, MedGen C0027672, MeSH D009386, MONDO:0015356.
Neuroblastoma, susceptibility to, 3. Also called: ALK-Related Neuroblastic Tumor Susceptibility. Identifiers: Orphanet 635, MedGen C2751681, MONDO:0013083, OMIM 613014.

Allele frequency attached by ClinVar (database versions not stated): gnomAD exomes below 0.00001.
gnomAD v4.1: 1 of 1,614,144 alleles (0.000062%); highest among the groups gnomAD compares: Non-Finnish European, 0.000085%; no homozygotes.

Submissions (2):

Ambry Genetics
Classification: Uncertain significance for Hereditary cancer-predisposing syndrome. Last evaluated: 2024-08-30. Review status: criteria provided, single submitter. Criteria: Ambry Variant Classification Scheme 2023. Collection method: clinical testing. Allele origin: germline.
Comment: The p.K1285M variant (also known as c.3854A>T), located in coding exon 26 of the ALK gene, results from an A to T substitution at nucleotide position 3854. The lysine at codon 1285 is replaced by methionine, an amino acid with similar properties. This amino acid position is highly conserved in available vertebrate species. In addition, this alteration is predicted to be deleterious by in silico analysis. Based on the available evidence, the clinical significance of this variant remains unclear.

Labcorp Genetics (formerly Invitae), Labcorp
Classification: Uncertain significance for Neuroblastoma, susceptibility to, 3. Last evaluated: 2022-06-13. Review status: criteria provided, single submitter. Criteria: Invitae Variant Classification Sherloc (09022015). Collection method: clinical testing. Allele origin: germline.
Comment: In summary, the available evidence is currently insufficient to determine the role of this variant in disease. Therefore, it has been classified as a Variant of Uncertain Significance. Algorithms developed to predict the effect of missense changes on protein structure and function (SIFT, PolyPhen-2, Align-GVGD) all suggest that this variant is likely to be disruptive. This variant has not been reported in the literature in individuals affected with ALK-related conditions. This variant is not present in population databases (gnomAD no frequency). This sequence change replaces lysine, which is basic and polar, with methionine, which is neutral and non-polar, at codon 1285 of the ALK protein (p.Lys1285Met).